The following is an entry in ClinVar:

NM_000218.3(KCNQ1):c.848C>T (p.Ala283Val)

Gene: KCNQ1 (potassium voltage-gated channel subfamily Q member 1; plus strand). Cytogenetic location: 11p15.5.
Variant type: single nucleotide variant.
Coding change: c.848C>T on transcript NM_000218.3 (MANE Select); coding-DNA position 848, C replaced by T.
Protein change: p.Ala283Val; replaces alanine 283 with valine.
Molecular consequence: missense variant.
Genome position (GRCh38, 1-based): chr11:2,572,913, C>T. VCF-style: chr11-2572913-C-T. GRCh37 (hg19) VCF-style: chr11-2594143-C-T.
Other names: c.848C>T, p.Ala283Val (NM_001406836.1); c.578C>T, p.Ala193Val (NM_001406837.1); c.467C>T, p.Ala156Val (NM_181798.2); short protein forms A156V, A193V, A283V.
Identifiers: ClinVar variation 1763568 (VCV001763568.3), dbSNP rs199473463, ClinGen allele CA379131509.

ClinVar aggregate classification (germline): Uncertain significance. Review status: criteria provided, multiple submitters, no conflicts (2 of 4 stars). 2 submissions from 2 submitters: Uncertain significance (2). Last evaluated 2025-07-02.

Conditions:
Cardiac arrhythmia. Also called: Arrhythmia; Cardiac rhythm disease. Identifiers: MedGen C0003811, MONDO:0007263, HP:0011675.
Cardiovascular phenotype. Identifiers: MedGen CN230736.

Allele frequency attached by ClinVar (database versions not stated): gnomAD exomes 0.00001.
gnomAD v4.1: 4 of 1,613,854 alleles (0.00025%); highest among the groups gnomAD compares: East Asian, 0.0089%; no homozygotes.

Submissions (2):

Color Diagnostics, LLC DBA Color Health
Classification: Uncertain significance for Cardiac arrhythmia. Last evaluated: 2025-07-02. Review status: criteria provided, single submitter. Criteria: ACMG Guidelines, 2015. Collection method: clinical testing. Allele origin: germline.
Comment: This missense variant replaces alanine with valine at codon 283 of the KCNQ1 protein. This variant is located within the conserved extracellular linker (a.a. 283-299) of the KCNQ1 protein. Rare non-truncating variants in this region have been shown to be significantly overrepresented in individuals with long QT syndrome (PMID: 32893267). Computational prediction suggests that this variant may have a deleterious impact on protein structure and function. To our knowledge, functional studies have not been reported for this variant. This variant has been reported in an individual affected with premature atrial contractions (PMID: 34664888), and in two instances of sudden unexpected death in infancy (PMID: 28747690). This variant has not been identified in the general population by the Genome Aggregation Database (gnomAD). The available evidence is insufficient to determine the role of this variant in disease conclusively. Therefore, this variant is classified as a Variant of Uncertain Significance.

Ambry Genetics
Classification: Uncertain significance for Cardiovascular phenotype. Last evaluated: 2021-11-09. Review status: criteria provided, single submitter. Criteria: Ambry Variant Classification Scheme 2023. Collection method: clinical testing. Allele origin: germline.
Comment: The p.A283V variant (also known as c.848C>T), located in coding exon 6 of the KCNQ1 gene, results from a C to T substitution at nucleotide position 848. The alanine at codon 283 is replaced by valine, an amino acid with similar properties, and is located in the transmembrane-spanning region of the protein. This alteration has been reported in a sudden unexplained death in infancy cohort; however, clinical details were limited and additional alterations in genes associated with arrhythmias were also identified (Oshima Y et al. J Hum Genet, 2017 Nov;62:989-995). This amino acid position is highly conserved in available vertebrate species. In addition, this alteration is predicted to be deleterious by in silico analysis. Since supporting evidence is limited at this time, the clinical significance of this alteration remains unclear.

Literature cited by the submitters: PubMed 28747690 (cited by Color Diagnostics, LLC DBA Color Health and Ambry Genetics); PubMed 32893267 (cited by Color Diagnostics, LLC DBA Color Health); PubMed 34664888 (cited by Color Diagnostics, LLC DBA Color Health).